The following is an entry in ClinVar:

NM_001082486.2(ACD):c.643A>T (p.Thr215Ser)

Gene: ACD (ACD shelterin complex subunit and telomerase recruitment factor; minus strand). Cytogenetic location: 16q22.1.
Variant type: single nucleotide variant.
Coding change: c.643A>T on transcript NM_001082486.2 (MANE Select); coding-DNA position 643, A replaced by T.
Protein change: p.Thr215Ser; replaces threonine 215 with serine.
Molecular consequence: missense variant.
Genome position (GRCh38, 1-based): chr16:67,658,930, T>A on the plus strand (A>T on the coding strand, the complement: ACD is on the minus strand). VCF-style: chr16-67658930-T-A. GRCh37 (hg19) VCF-style: chr16-67692833-T-A.
Other names: c.643A>T, p.Thr215Ser (NM_001410884.1); c.634A>T, p.Thr212Ser (NM_022914.3); short protein forms T212S, T215S.
Identifiers: ClinVar variation 2566764 (VCV002566764.2), dbSNP rs2543603188, ClinGen allele CA396353841.

ClinVar aggregate classification (germline): Uncertain significance (1 of 4 stars; one submission).

Conditions:
Inborn genetic diseases. Identifiers: MedGen C0950123, MeSH D030342.

Submission:

Ambry Genetics
Classification: Uncertain significance for Inborn genetic diseases. Last evaluated: 2023-05-25. Review status: criteria provided, single submitter. Criteria: Ambry Variant Classification Scheme 2023. Collection method: clinical testing. Allele origin: germline.
Comment: The p.T301S variant (also known as c.901A>T), located in coding exon 7 of the ACD gene, results from an A to T substitution at nucleotide position 901. The threonine at codon 301 is replaced by serine, an amino acid with similar properties. This amino acid position is conserved. In addition, this alteration is predicted to be tolerated by in silico analysis. Since supporting evidence is limited at this time, the clinical significance of this alteration remains unclear.